The following is an entry in ClinVar:

NM_001429.4(EP300):c.7138C>T (p.Pro2380Ser)

Gene: EP300 (EP300 lysine acetyltransferase; plus strand). Cytogenetic location: 22q13.2.
Variant type: single nucleotide variant.
Coding change: c.7138C>T on transcript NM_001429.4 (MANE Select); coding-DNA position 7138, C replaced by T.
Protein change: p.Pro2380Ser; replaces proline 2380 with serine.
Molecular consequence: missense variant.
Genome position (GRCh38, 1-based): chr22:41,178,849, C>T. VCF-style: chr22-41178849-C-T. GRCh37 (hg19) VCF-style: chr22-41574853-C-T.
Other names: c.7060C>T, p.Pro2354Ser (NM_001362843.2); c.7138C>T (NM_001429.3); short protein forms P2354S, P2380S.
Identifiers: ClinVar variation 2179270 (VCV002179270.5), dbSNP rs2145524260, ClinGen allele CA411684545.

ClinVar aggregate classification (germline): Uncertain significance. Review status: criteria provided, multiple submitters, no conflicts (2 of 4 stars). 2 submissions from 2 submitters: Uncertain significance (2). Last evaluated 2026-09-09.

Conditions:
Rubinstein-Taybi syndrome due to EP300 haploinsufficiency. Also called: EP300-Related Rubinstein-Taybi Syndrome; RUBINSTEIN-TAYBI SYNDROME 2. Identifiers: Orphanet 353284, Orphanet 783, MedGen C3150941, MONDO:0013364, OMIM 613684.
EP300-related disorder. Also called: EP300-related condition; EP300-related disorders.

gnomAD v4.1: 2 of 1,614,216 alleles (0.00012%); highest among the groups gnomAD compares: Non-Finnish European, 0.00017%; no homozygotes.

Submissions (2):

PreventionGenetics, part of Exact Sciences
Classification: Uncertain significance for EP300-related condition. Last evaluated: 2026-09-09. Review status: criteria provided, single submitter. Criteria: ACMG Guidelines, 2015. Collection method: clinical testing. Allele origin: germline.
Comment: The EP300 c.7138C>T variant is predicted to result in the amino acid substitution p.Pro2380Ser. To our knowledge, this variant has not been reported in the literature or in a large population database (gnomAD), indicating this variant is rare. At this time, the clinical significance of this variant is uncertain due to the absence of conclusive functional and genetic evidence.

Labcorp Genetics (formerly Invitae), Labcorp
Classification: Uncertain significance for Rubinstein-Taybi syndrome due to EP300 haploinsufficiency. Last evaluated: 2022-10-27. Review status: criteria provided, single submitter. Criteria: Invitae Variant Classification Sherloc (09022015). Collection method: clinical testing. Allele origin: germline.
Comment: This sequence change replaces proline, which is neutral and non-polar, with serine, which is neutral and polar, at codon 2380 of the EP300 protein (p.Pro2380Ser). This variant is not present in population databases (gnomAD no frequency). This variant has not been reported in the literature in individuals affected with EP300-related conditions. Advanced modeling of protein sequence and biophysical properties (such as structural, functional, and spatial information, amino acid conservation, physicochemical variation, residue mobility, and thermodynamic stability) performed at Invitae indicates that this missense variant is not expected to disrupt EP300 protein function. In summary, the available evidence is currently insufficient to determine the role of this variant in disease. Therefore, it has been classified as a Variant of Uncertain Significance.